The following is an entry in ClinVar:

ClinVar aggregate classification (germline): Uncertain significance (1 of 4 stars; one submission).

Conditions:
Episodic ataxia type 1 (EA1). Also called: ATAXIA, EPISODIC, WITH MYOKYMIA; Episodic ataxia/myokymia syndrome; MYOKYMIA WITH PERIODIC ATAXIA; PAROXYSMAL ATAXIA WITH NEUROMYOTONIA, HEREDITARY. Identifiers: Orphanet 37612, Orphanet 972, MedGen C1719788, MONDO:0008047, OMIM 160120.

gnomAD v4.1: 4 of 1,613,958 alleles (0.00025%); highest among the groups gnomAD compares: Non-Finnish European, 0.00034%; no homozygotes.

Submission:

Labcorp Genetics (formerly Invitae), Labcorp
Classification: Uncertain significance for Episodic ataxia type 1. Last evaluated: 2025-05-06. Review status: criteria provided, single submitter. Criteria: Invitae Variant Classification Sherloc (09022015). Collection method: clinical testing. Allele origin: germline.
Comment: This sequence change replaces glutamic acid, which is acidic and polar, with glutamine, which is neutral and polar, at codon 146 of the KCNA1 protein (p.Glu146Gln). This variant is not present in population databases (gnomAD no frequency). This variant has not been reported in the literature in individuals affected with KCNA1-related conditions. ClinVar contains an entry for this variant (Variation ID: 2975147). Invitae Evidence Modeling of protein sequence and biophysical properties (such as structural, functional, and spatial information, amino acid conservation, physicochemical variation, residue mobility, and thermodynamic stability) indicates that this missense variant is not expected to disrupt KCNA1 protein function with a negative predictive value of 80%. In summary, the available evidence is currently insufficient to determine the role of this variant in disease. Therefore, it has been classified as a Variant of Uncertain Significance.

NM_000217.3(KCNA1):c.436G>C (p.Glu146Gln)

Gene: KCNA1 (potassium voltage-gated channel subfamily A member 1; plus strand). Cytogenetic location: 12p13.32.
Variant type: single nucleotide variant.
Coding change: c.436G>C on transcript NM_000217.3 (MANE Select); coding-DNA position 436, G replaced by C.
Protein change: p.Glu146Gln; replaces glutamic acid 146 with glutamine.
Molecular consequence: missense variant.
Genome position (GRCh38, 1-based): chr12:4,911,814, G>C. VCF-style: chr12-4911814-G-C. GRCh37 (hg19) VCF-style: chr12-5020980-G-C.
Other names: short protein forms E146Q.
Identifiers: ClinVar variation 2975147 (VCV002975147.3), dbSNP rs772823472, ClinGen allele CA383454557.